The following is an entry in ClinVar:

ClinVar aggregate classification (germline): Conflicting classifications of pathogenicity. Review status: criteria provided, conflicting classifications (1 of 4 stars). 6 submissions from 6 submitters: Uncertain significance (5); Likely benign (1). Last evaluated 2025-09-27.

Conditions:
Hereditary cancer-predisposing syndrome. Also called: Tumor predisposition; Hereditary Cancer Syndrome; Hereditary neoplastic syndrome; Neoplastic Syndromes, Hereditary. Identifiers: Orphanet 140162, MedGen C0027672, MeSH D009386, MONDO:0015356.
Malignant tumor of urinary bladder. Also called: Bladder cancer; Urinary bladder cancer; Urinary Bladder Neoplasms. Identifiers: MedGen C0005684, MONDO:0001187, OMIM 109800.
Retinoblastoma (RB1). Also called: RETINOBLASTOMA, SOMATIC. Identifiers: Orphanet 790, MedGen C0035335, MeSH D012175, MONDO:0008380, OMIM 180200, HP:0009919. Disease mechanism: loss of function. Inheritance: Both sporadic and heritable forms are tested..

Allele frequency attached by ClinVar (database versions not stated): TOPMed 0.00001; gnomAD exomes 0.00002.

Submissions (6):

Labcorp Genetics (formerly Invitae), Labcorp
Classification: Likely benign for Retinoblastoma. Last evaluated: 2025-09-27. Review status: criteria provided, single submitter. Criteria: Invitae Variant Classification Sherloc (09022015). Collection method: clinical testing. Allele origin: germline.

All of Us Research Program, National Institutes of Health
Classification: Uncertain significance for Retinoblastoma. Last evaluated: 2024-09-23. Review status: criteria provided, single submitter. Criteria: ACMG Guidelines, 2015. Collection method: clinical testing. Allele origin: germline. Inheritance: Autosomal dominant inheritance. Observed: 2 variant alleles, 2 heterozygotes.
Comment: This missense variant replaces phenylalanine with leucine at codon 845 of the RB1 protein. Computational prediction suggests that this variant may not impact protein structure and function. To our knowledge, functional studies have not been reported for this variant. This variant has been reported in an individual affected with retinoblastoma in the literature (PMID:12173465). This variant has not been identified in the general population by the Genome Aggregation Database (gnomAD). The available evidence is insufficient to determine the role of this variant in disease conclusively. Therefore, this variant is classified as a Variant of Uncertain Significance.

This study involves interpretation of variants in research participants for the purpose of population health screening. Participant phenotype was not available at the time of variant classification. Additional details can be found in publication PMID: 35346344, PMCID: PMC8962531

Ambry Genetics
Classification: Uncertain significance for Hereditary cancer-predisposing syndrome. Last evaluated: 2024-04-24. Review status: criteria provided, single submitter. Criteria: Ambry Variant Classification Scheme 2023. Collection method: clinical testing. Allele origin: germline.
Comment: The p.F845L variant (also known as c.2533T>C), located in coding exon 25 of the RB1 gene, results from a T to C substitution at nucleotide position 2533. The phenylalanine at codon 845 is replaced by leucine, an amino acid with highly similar properties. While this exact alteration has not been reported in the literature, a different alteration resulting in the same amino acid change (c.2535C>A) was detected in one individual with retinoblastoma (Babenko OV et al. Mol. Biol. (Mosk.);36:623-9). This amino acid position is highly conserved in available vertebrate species. In addition, the in silico prediction for this alteration is inconclusive. Since supporting evidence is limited at this time, the clinical significance of this alteration remains unclear.

Color Diagnostics, LLC DBA Color Health
Classification: Uncertain significance for Retinoblastoma. Last evaluated: 2024-04-24. Review status: criteria provided, single submitter. Criteria: ACMG Guidelines, 2015. Collection method: clinical testing. Allele origin: germline.
Comment: This missense variant replaces phenylalanine with leucine at codon 845 of the RB1 protein. Computational prediction suggests that this variant may not impact protein structure and function. To our knowledge, functional studies have not been reported for this variant. This variant has been reported in an individual affected with retinoblastoma in the literature (PMID:12173465). This variant has not been identified in the general population by the Genome Aggregation Database (gnomAD). The available evidence is insufficient to determine the role of this variant in disease conclusively. Therefore, this variant is classified as a Variant of Uncertain Significance.

Baylor Genetics
Classification: Uncertain significance for Malignant tumor of urinary bladder. Last evaluated: 2024-02-18. Review status: criteria provided, single submitter. Criteria: ACMG Guidelines, 2015. Collection method: clinical testing. Allele origin: unknown.

GeneDx
Classification: Uncertain significance. Last evaluated: 2021-01-25. Review status: criteria provided, single submitter. Criteria: GeneDx Variant Classification Process June 2021. Collection method: clinical testing. Allele origin: germline. Affected: yes.
Comment: Not observed in large population cohorts (Lek et al., 2016); In silico analysis supports that this missense variant does not alter protein structure/function; Another substitution (c.2535C>A) causing the same missense variant (p.Phe845Leu) was observed in an individual with sporadic unilateral retinoblastoma (Babenko 2002); This variant is associated with the following publications: (PMID: 12173465)

Literature cited by the submitters: PubMed 12173465 (cited by 3 submitters).

NM_000321.3(RB1):c.2533T>C (p.Phe845Leu)

Gene: RB1 (RB transcriptional corepressor 1; plus strand). Cytogenetic location: 13q14.2.
Variant type: single nucleotide variant.
Coding change: c.2533T>C on transcript NM_000321.3 (MANE Select); coding-DNA position 2533, T replaced by C.
Protein change: p.Phe845Leu; replaces phenylalanine 845 with leucine.
Molecular consequence: missense variant.
Genome position (GRCh38, 1-based): chr13:48,476,713, T>C. VCF-style: chr13-48476713-T-C. GRCh37 (hg19) VCF-style: chr13-49050849-T-C.
Other names: short protein forms F845L.
Identifiers: ClinVar variation 486296 (VCV000486296.18), dbSNP rs754183765, ClinGen allele CA249314576.